The following is an entry in ClinVar:

NM_000341.4(SLC3A1):c.198G>A (p.Ala66=)

Gene: SLC3A1 (solute carrier family 3 member 1; plus strand). Cytogenetic location: 2p21.
Variant type: single nucleotide variant.
Coding change: c.198G>A on transcript NM_000341.4 (MANE Select); coding-DNA position 198, G replaced by A.
Protein change: p.Ala66=; no amino-acid change (alanine 66 retained).
Molecular consequence: synonymous variant.
Genome position (GRCh38, 1-based): chr2:44,275,733, G>A. VCF-style: chr2-44275733-G-A. GRCh37 (hg19) VCF-style: chr2-44502872-G-A.
Identifiers: ClinVar variation 3034811 (VCV003034811.2), dbSNP rs201799081, ClinGen allele CA1640049.

ClinVar aggregate classification (germline): Likely benign (0 of 4 stars; one submission).

Conditions:
SLC3A1-related disorder. Also called: SLC3A1-related condition.

Allele frequency attached by ClinVar (database versions not stated): ExAC 0.00004; gnomAD exomes 0.00004; ESP Exome Variant Server 0.00008; gnomAD 0.00010; TOPMed 0.00012; 1000 Genomes Project 30x 0.00031; 1000 Genomes Project 0.00040.
gnomAD v4.1: 81 of 1,614,220 alleles (0.005%); highest among the groups gnomAD compares: Middle Eastern, 0.033%; no homozygotes.

Submission:

PreventionGenetics, part of Exact Sciences
Classification: Likely benign for SLC3A1-related condition. Last evaluated: 2020-01-02. Review status: no assertion criteria provided. Collection method: clinical testing. Allele origin: germline.
Comment: This variant is classified as likely benign based on ACMG/AMP sequence variant interpretation guidelines (Richards et al. 2015 PMID: 25741868, with internal and published modifications).